The following is an entry in ClinVar:

ClinVar aggregate classification (germline): Uncertain significance (1 of 4 stars; one submission).

Conditions:
IFT172-related disorder. Also called: IFT172-related condition; IFT172-related disorders.

Submission:

PreventionGenetics, part of Exact Sciences
Classification: Uncertain significance for IFT172-related condition. Last evaluated: 2024-10-16. Review status: criteria provided, single submitter. Criteria: ACMG Guidelines, 2015. Collection method: clinical testing. Allele origin: germline.
Comment: The IFT172 c.1817G>A variant is predicted to result in the amino acid substitution p.Gly606Asp. To our knowledge, this variant has not been reported in the literature or in a large population database (gnomAD), indicating this variant is rare. At this time, the clinical significance of this variant is uncertain due to the absence of conclusive functional and genetic evidence.

NM_015662.3(IFT172):c.1817G>A (p.Gly606Asp)

Gene: IFT172 (intraflagellar transport 172; minus strand). Cytogenetic location: 2p23.3.
Variant type: single nucleotide variant.
Coding change: c.1817G>A on transcript NM_015662.3 (MANE Select); coding-DNA position 1817, G replaced by A.
Protein change: p.Gly606Asp; replaces glycine 606 with aspartic acid.
Molecular consequence: missense variant.
Genome position (GRCh38, 1-based): chr2:27,465,758, C>T on the plus strand (G>A on the coding strand, the complement: IFT172 is on the minus strand). VCF-style: chr2-27465758-C-T. GRCh37 (hg19) VCF-style: chr2-27688625-C-T.
Other names: c.1751G>A, p.Gly584Asp (NM_001410739.1); short protein forms G584D, G606D.
Identifiers: ClinVar variation 4998825 (VCV004998825.1).